The following is an entry in ClinVar:

ClinVar aggregate classification (germline): Uncertain significance (1 of 4 stars; one submission).

Submission:

Labcorp Genetics (formerly Invitae), Labcorp
Classification: Uncertain significance. Last evaluated: 2021-01-14. Review status: criteria provided, single submitter. Criteria: Invitae Variant Classification Sherloc (09022015). Collection method: clinical testing. Allele origin: germline.
Comment: This variant, c.656_661dup, results in the insertion of 2 amino acid(s) to the GUCY2C protein (p.Glu219_Leu220dup), but otherwise preserves the integrity of the reading frame. This variant is not present in population databases (ExAC no frequency). In summary, the available evidence is currently insufficient to determine the role of this variant in disease. Therefore, it has been classified as a Variant of Uncertain Significance. Experimental studies and prediction algorithms are not available or were not evaluated, and the functional significance of this variant is currently unknown. This variant has not been reported in the literature in individuals with GUCY2C-related conditions.

NM_004963.4(GUCY2C):c.656_661dup (p.Glu219_Leu220dup)

Genes: GUCY2C (guanylate cyclase 2C; minus strand), GUCY2C-AS1 (GUCY2C antisense RNA 1; plus strand). Cytogenetic location: 12p12.3.
Variant type: Duplication.
Coding change: c.656_661dup on transcript NM_004963.4 (MANE Select); coding-DNA positions 656 to 661, 6 bases duplicated (AACTCG; older notation c.656_661dupAACTCG).
Protein change: p.Glu219_Leu220dup.
Molecular consequence: inframe insertion.
Genome position (GRCh38, 1-based): chr12:14,681,428-14,681,433, CGAGTT duplicated on the plus strand (AACTCG on the coding strand, the reverse complement: GUCY2C is on the minus strand); duplicating any 6 consecutive bases within chr12:14,681,428-14,681,435 gives the same sequence; the c. name uses the placement nearest the transcript's 3' end. VCF-style (leftmost placement, unchanged base first): chr12-14681427-C-CCGAGTT. GRCh37 (hg19) VCF-style: chr12-14834361-C-CCGAGTT.
Identifiers: ClinVar variation 1364712 (VCV001364712.8), dbSNP rs2137090747, ClinGen allele CA2573147889.